The following is an entry in ClinVar:

ClinVar aggregate classification (germline): Likely benign (1 of 4 stars; one submission).

Allele frequency attached by ClinVar (database versions not stated): ExAC 0.00007; ESP Exome Variant Server 0.00008; gnomAD 0.00011; gnomAD exomes 0.00011; TOPMed 0.00012.
gnomAD v4.1: 185 of 1,614,030 alleles (0.011%); highest among the groups gnomAD compares: Non-Finnish European, 0.004%; no homozygotes.

Submission:

CeGaT Center for Human Genetics Tuebingen
Classification: Likely benign. Last evaluated: 2022-03-01. Review status: criteria provided, single submitter. Criteria: CeGaT Center For Human Genetics Tuebingen Variant Classification Criteria Version 2. Collection method: clinical testing. Allele origin: germline. Affected: yes. Observed: 1 variant allele.
Comment: TTBK1: BP4

NM_032538.3(TTBK1):c.1104G>A (p.Glu368=)

Gene: TTBK1 (tau tubulin kinase 1; plus strand). Cytogenetic location: 6p21.1.
Variant type: single nucleotide variant.
Coding change: c.1104G>A on transcript NM_032538.3 (MANE Select); coding-DNA position 1104, G replaced by A.
Protein change: p.Glu368=; no amino-acid change (glutamic acid 368 retained).
Molecular consequence: synonymous variant.
Genome position (GRCh38, 1-based): chr6:43,259,125, G>A. VCF-style: chr6-43259125-G-A. GRCh37 (hg19) VCF-style: chr6-43226863-G-A.
Identifiers: ClinVar variation 2656590 (VCV002656590.24), dbSNP rs371609773, ClinGen allele CA3819480.